The following is an entry in ClinVar:

NM_001605.3(AARS1):c.104A>T (p.Asp35Val)

Gene: AARS1 (alanyl-tRNA synthetase 1; minus strand). Cytogenetic location: 16q22.1.
Variant type: single nucleotide variant.
Coding change: c.104A>T on transcript NM_001605.3 (MANE Select); coding-DNA position 104, A replaced by T.
Protein change: p.Asp35Val; replaces aspartic acid 35 with valine.
Molecular consequence: missense variant.
Genome position (GRCh38, 1-based): chr16:70,282,660, T>A on the plus strand (A>T on the coding strand, the complement: AARS1 is on the minus strand). VCF-style: chr16-70282660-T-A. GRCh37 (hg19) VCF-style: chr16-70316563-T-A.
Other names: short protein forms D35V.
Identifiers: ClinVar variation 2040968 (VCV002040968.4), dbSNP rs1177488599, ClinGen allele CA396570433.

ClinVar aggregate classification (germline): Uncertain significance (1 of 4 stars; one submission).

Conditions:
Charcot-Marie-Tooth disease type 2. Also called: Charcot-Marie-Tooth type 2. Identifiers: Orphanet 64746, MedGen C0270914, MONDO:0018993.

Allele frequency attached by ClinVar (database versions not stated): gnomAD exomes 0.00001; gnomAD 0.00001; TOPMed 0.00001.
gnomAD v4.1: 4 of 1,614,058 alleles (0.00025%); highest among the groups gnomAD compares: Admixed American, 0.0033%; no homozygotes.

Submission:

Labcorp Genetics (formerly Invitae), Labcorp
Classification: Uncertain significance for Charcot-Marie-Tooth disease type 2. Last evaluated: 2024-12-26. Review status: criteria provided, single submitter. Criteria: Invitae Variant Classification Sherloc (09022015). Collection method: clinical testing. Allele origin: germline.
Comment: This sequence change replaces aspartic acid, which is acidic and polar, with valine, which is neutral and non-polar, at codon 35 of the AARS protein (p.Asp35Val). This variant is present in population databases (no rsID available, gnomAD 0.003%). This variant has not been reported in the literature in individuals affected with AARS-related conditions. ClinVar contains an entry for this variant (Variation ID: 2040968). Invitae Evidence Modeling of protein sequence and biophysical properties (such as structural, functional, and spatial information, amino acid conservation, physicochemical variation, residue mobility, and thermodynamic stability) has been performed for this missense variant. However, the output from this modeling did not meet the statistical confidence thresholds required to predict the impact of this variant on AARS protein function. In summary, the available evidence is currently insufficient to determine the role of this variant in disease. Therefore, it has been classified as a Variant of Uncertain Significance.